The following is an entry in ClinVar:

NM_001366057.1(OTUD4):c.581C>G (p.Ala194Gly)

Gene: OTUD4 (OTU deubiquitinase 4; minus strand). Cytogenetic location: 4q31.21.
Variant type: single nucleotide variant.
Coding change: c.581C>G on transcript NM_001366057.1 (MANE Select); coding-DNA position 581, C replaced by G.
Protein change: p.Ala194Gly; replaces alanine 194 with glycine.
Molecular consequence: missense variant.
Genome position (GRCh38, 1-based): chr4:145,159,551, G>C on the plus strand (C>G on the coding strand, the complement: OTUD4 is on the minus strand). VCF-style: chr4-145159551-G-C. GRCh37 (hg19) VCF-style: chr4-146080703-G-C.
Other names: NC_000004.11:g.146080703G>C; c.386C>G, p.Ala129Gly (NM_001102653.1, NM_017493.7); c.581C>G, p.Ala194Gly (NM_001366058.1); short protein forms A129G, A194G.
Identifiers: ClinVar variation 453300 (VCV000453300.7), dbSNP rs36225458, ClinGen allele CA3094658.

ClinVar aggregate classification (germline): Conflicting classifications of pathogenicity. Review status: criteria provided, conflicting classifications (1 of 4 stars). 3 submissions from 3 submitters: Uncertain significance (1); Likely benign (1). 1 of the submissions does not count toward it. Last evaluated 2026-02-16.

Conditions:
OTUD4-related disorder. Also called: OTUD4-related condition.

Allele frequency attached by ClinVar (database versions not stated): 1000 Genomes Project 0.00020; 1000 Genomes Project 30x 0.00031; gnomAD 0.00097 and 0.00106; ESP Exome Variant Server 0.00100; TOPMed 0.00115; ExAC 0.00134; gnomAD exomes 0.00136 and 0.00137.
gnomAD v4.1: 2,166 of 1,613,308 alleles (0.13%); highest among the groups gnomAD compares: South Asian, 0.26%; 7 homozygotes.

Submissions (15):

PreventionGenetics, part of Exact Sciences
Classification: Likely benign for OTUD4-related condition. Last evaluated: 2026-02-16. Review status: criteria provided, single submitter. Criteria: ACMG Guidelines, 2015. Collection method: clinical testing. Allele origin: germline.
Comment: This variant is classified as likely benign based on ACMG/AMP sequence variant interpretation guidelines (Richards et al. 2015 PMID: 25741868, with internal and published modifications).

Breakthrough Genomics
Classification: Uncertain significance. Review status: criteria provided, single submitter. Criteria: ACMG Guidelines, 2015. Collection method: not provided. Allele origin: germline. Inheritance: Unknown mechanism. Affected: yes.

Undiagnosed Diseases Network, NIH
Classification: Uncertain significance. Last evaluated: 2016-04-18. Review status: no assertion criteria provided. Collection method: clinical testing. Allele origin: maternal. Inheritance: Autosomal recessive inheritance. Affected: yes. Observed: 1 compound heterozygote. Not counted in ClinVar's aggregate classification.

Dr. Peter K. Rogan Lab, Western University
No classification provided (evidence only). Condition: Familial cancer of breast. Review status: no classification provided. Collection method: in vitro. Allele origin: not applicable. Functional consequence: skipped exon, retained intron. Not counted in ClinVar's aggregate classification.

Dr. Peter K. Rogan Lab, Western University
No classification provided (evidence only). Condition: Familial cancer of breast. Review status: no classification provided. Collection method: in vitro. Allele origin: not applicable. Functional consequence: retained intron. Not counted in ClinVar's aggregate classification.

Dr. Peter K. Rogan Lab, Western University
No classification provided (evidence only). Condition: Familial cancer of breast. Review status: no classification provided. Collection method: in vitro. Allele origin: not applicable. Functional consequence: retained intron. Not counted in ClinVar's aggregate classification.

Dr. Peter K. Rogan Lab, Western University
No classification provided (evidence only). Condition: Acute myeloid leukemia. Review status: no classification provided. Collection method: in vitro. Allele origin: not applicable. Functional consequence: retained intron. Not counted in ClinVar's aggregate classification.

Dr. Peter K. Rogan Lab, Western University
No classification provided (evidence only). Condition: Thyroid cancer, nonmedullary, 1. Review status: no classification provided. Collection method: in vitro. Allele origin: not applicable. Functional consequence: retained intron. Not counted in ClinVar's aggregate classification.

Dr. Peter K. Rogan Lab, Western University
No classification provided (evidence only). Condition: Thyroid cancer, nonmedullary, 1. Review status: no classification provided. Collection method: in vitro. Allele origin: not applicable. Functional consequence: skipped exon. Not counted in ClinVar's aggregate classification.

Dr. Peter K. Rogan Lab, Western University
No classification provided (evidence only). Condition: Thyroid cancer, nonmedullary, 1. Review status: no classification provided. Collection method: in vitro. Allele origin: not applicable. Functional consequence: skipped exon, retained intron. Not counted in ClinVar's aggregate classification.

Dr. Peter K. Rogan Lab, Western University
No classification provided (evidence only). Condition: Cervical cancer. Review status: no classification provided. Collection method: in vitro. Allele origin: not applicable. Functional consequence: skipped exon. Not counted in ClinVar's aggregate classification.

Dr. Peter K. Rogan Lab, Western University
No classification provided (evidence only). Condition: Malignant lymphoma, large B-cell, diffuse. Review status: no classification provided. Collection method: in vitro. Allele origin: not applicable. Functional consequence: skipped exon, retained intron. Not counted in ClinVar's aggregate classification.

Dr. Peter K. Rogan Lab, Western University
No classification provided (evidence only). Condition: Hepatocellular carcinoma. Review status: no classification provided. Collection method: in vitro. Allele origin: not applicable. Functional consequence: retained intron. Not counted in ClinVar's aggregate classification.

Dr. Peter K. Rogan Lab, Western University
No classification provided (evidence only). Condition: Malignant tumor of esophagus. Review status: no classification provided. Collection method: in vitro. Allele origin: not applicable. Functional consequence: skipped exon, retained intron. Not counted in ClinVar's aggregate classification.

Dr. Peter K. Rogan Lab, Western University
No classification provided (evidence only). Condition: Malignant tumor of esophagus. Review status: no classification provided. Collection method: in vitro. Allele origin: not applicable. Functional consequence: retained intron. Not counted in ClinVar's aggregate classification.